The following is an entry in ClinVar:

NM_001379500.1(COL18A1):c.107-12575C>G

Gene: COL18A1 (collagen type XVIII alpha 1 chain; plus strand). Cytogenetic location: 21q22.3.
Variant type: single nucleotide variant.
Coding change: c.107-12575C>G on transcript NM_001379500.1 (MANE Select); 12575 bases into the intron before coding-DNA position 107, C replaced by G.
Molecular consequence: intron variant. On other transcripts: missense variant (2).
Genome position (GRCh38, 1-based): chr21:45,455,667, C>G. VCF-style: chr21-45455667-C-G. GRCh37 (hg19) VCF-style: chr21-46875581-C-G.
Other names: c.137C>G, p.Pro46Arg (NM_030582.4, NM_130444.3); short protein forms P46R.
Identifiers: ClinVar variation 2067384 (VCV002067384.1), dbSNP rs2034774919, ClinGen allele CA410505214.

ClinVar aggregate classification (germline): Uncertain significance (1 of 4 stars; one submission).

gnomAD v4.1: 1 of 1,613,740 alleles (0.000062%); highest among the groups gnomAD compares: Admixed American, 0.0017%; no homozygotes.

Submission:

Labcorp Genetics (formerly Invitae), Labcorp
Classification: Uncertain significance. Last evaluated: 2021-12-31. Review status: criteria provided, single submitter. Criteria: Invitae Variant Classification Sherloc (09022015). Collection method: clinical testing. Allele origin: germline.
Comment: The COL18A1 gene has multiple clinically relevant transcripts. This variant occurs in alternate transcript NM_030582.4, and corresponds to NM_130445.3:c.107-12575C>G in the primary transcript. This sequence change replaces proline, which is neutral and non-polar, with arginine, which is basic and polar, at codon 46 of the COL18A1 protein (p.Pro46Arg). This variant is not present in population databases (gnomAD no frequency). This variant has not been reported in the literature in individuals affected with COL18A1-related conditions. Experimental studies and prediction algorithms are not available or were not evaluated, and the functional significance of this variant is currently unknown. In summary, the available evidence is currently insufficient to determine the role of this variant in disease. Therefore, it has been classified as a Variant of Uncertain Significance.